The following is an entry in ClinVar:

ClinVar aggregate classification (germline): Benign/Likely benign (0 of 4 stars; one submission).

Submission:

ISCA site 4
Classification: Benign/Likely benign. Last evaluated: 2012-09-21. Review status: no assertion criteria provided. Collection method: clinical testing. Allele origin: unknown. Affected: yes. Observed: 2 variant alleles.
Comment: Likely benign (1), Benign (1)

Copy number variation identified through the course of routine clinical cytogenomic testing in postnatal populations, with clinical assertions as classified by the original submitter.

GRCh38/hg38 7q11.23(chr7:76509969-76994096)x3

Genes: LINC03009 (long intergenic non-protein coding RNA 3009; plus strand), POMZP3 (POM121 and ZP3 fusion; minus strand), SPDYE16 (speedy/RINGO cell cycle regulator family member E16; minus strand), UPK3B (uroplakin 3B; plus strand), LOC108228209 (7q11.23 distal recombination region; plus strand) and 3 more. Cytogenetic location: 7q11.23.
Variant type: copy number gain.
Change: copy number 3 (three copies instead of two) of chr7:76,509,969-76,994,096 (484.1 kb, GRCh38 coordinates, 1-based), cytogenetic band 7q11.23.
Identifiers: ClinVar variation 146837 (VCV000146837.2).